The following is an entry in ClinVar:

ClinVar aggregate classification (germline): Uncertain significance (1 of 4 stars; one submission).

Conditions:
Hereditary cancer-predisposing syndrome. Also called: Hereditary Cancer Syndrome; Hereditary neoplastic syndrome; Neoplastic Syndromes, Hereditary; Tumor predisposition. Identifiers: Orphanet 140162, MedGen C0027672, MeSH D009386, MONDO:0015356.

Submission:

Ambry Genetics
Classification: Uncertain significance for Hereditary cancer-predisposing syndrome. Last evaluated: 2021-05-03. Review status: criteria provided, single submitter. Criteria: Ambry Variant Classification Scheme 2023. Collection method: clinical testing. Allele origin: germline.
Comment: The p.S150R variant (also known as c.450C>A), located in coding exon 3 of the XRCC2 gene, results from a C to A substitution at nucleotide position 450. The serine at codon 150 is replaced by arginine, an amino acid with dissimilar properties. This amino acid position is highly conserved in available vertebrate species. In addition, this alteration is predicted to be deleterious by in silico analysis. Since supporting evidence is limited at this time, the clinical significance of this alteration remains unclear.

NM_005431.2(XRCC2):c.450C>A (p.Ser150Arg)

Gene: XRCC2 (X-ray repair cross complementing 2; minus strand). Cytogenetic location: 7q36.1.
Variant type: single nucleotide variant.
Coding change: c.450C>A on transcript NM_005431.2 (MANE Select); coding-DNA position 450, C replaced by A.
Protein change: p.Ser150Arg; replaces serine 150 with arginine.
Molecular consequence: missense variant.
Genome position (GRCh38, 1-based): chr7:152,649,035, G>T on the plus strand (C>A on the coding strand, the complement: XRCC2 is on the minus strand). VCF-style: chr7-152649035-G-T. GRCh37 (hg19) VCF-style: chr7-152346120-G-T.
Other names: short protein forms S150R.
Identifiers: ClinVar variation 1741091 (VCV001741091.2), dbSNP rs371453207, ClinGen allele CA370198669.